The following is an entry in ClinVar:

ClinVar aggregate classification (germline): Uncertain significance (1 of 4 stars; one submission).

Submission:

Labcorp Genetics (formerly Invitae), Labcorp
Classification: Uncertain significance. Last evaluated: 2023-12-02. Review status: criteria provided, single submitter. Criteria: Invitae Variant Classification Sherloc (09022015). Collection method: clinical testing. Allele origin: germline.
Comment: This sequence change replaces leucine, which is neutral and non-polar, with arginine, which is basic and polar, at codon 1027 of the KMT2B protein (p.Leu1027Arg). This variant is not present in population databases (gnomAD no frequency). This variant has not been reported in the literature in individuals affected with KMT2B-related conditions. Advanced modeling of protein sequence and biophysical properties (such as structural, functional, and spatial information, amino acid conservation, physicochemical variation, residue mobility, and thermodynamic stability) performed at Invitae indicates that this missense variant is not expected to disrupt KMT2B protein function with a negative predictive value of 95%. In summary, the available evidence is currently insufficient to determine the role of this variant in disease. Therefore, it has been classified as a Variant of Uncertain Significance.

NM_014727.3(KMT2B):c.3080T>G (p.Leu1027Arg)

Gene: KMT2B (lysine methyltransferase 2B; plus strand). Cytogenetic location: 19q13.12.
Variant type: single nucleotide variant.
Coding change: c.3080T>G on transcript NM_014727.3 (MANE Select); coding-DNA position 3080, T replaced by G.
Protein change: p.Leu1027Arg; replaces leucine 1027 with arginine.
Molecular consequence: missense variant.
Genome position (GRCh38, 1-based): chr19:35,723,753, T>G. VCF-style: chr19-35723753-T-G. GRCh37 (hg19) VCF-style: chr19-36214654-T-G.
Other names: short protein forms L1027R.
Identifiers: ClinVar variation 2700234 (VCV002700234.3), dbSNP rs2513325275, ClinGen allele CA405403644.
Genomic context (GRCh38, chr19:35,723,753, plus strand): 5'-GGCTGAGCTCAAATCCTACTAAGTCCCCTGTTCCCGCAGGCCGGACGATAGTGAAGACGC[T>G]GTTGCCCTGGGATTCCGATGAATCTCCTGAGGCCTCCCCTGGTCCTCCAGGCCCACGCCG-3'
Protein context (NP_055542.1, residues 1017-1037): AKKGRTIVKT[Leu1027Arg]LPWDSDESPE